The following is an entry in ClinVar:

ClinVar aggregate classification (germline): Pathogenic (1 of 4 stars; one submission).

Conditions:
Polycystic kidney disease, adult type (PKD1). Also called: POLYCYSTIC KIDNEY DISEASE 1 WITH OR WITHOUT POLYCYSTIC LIVER DISEASE; POLYCYSTIC KIDNEY DISEASE, ADULT, TYPE I; Polycystic Kidney, Autosomal Dominant; Polycystic Kidney Disease 1, Autosomal Dominant; Polycystic kidney disease 1; Polycystic kidney disease 1, severe. Identifiers: MedGen C3149841, MONDO:0008263, OMIM 173900.

Submission:

ARUP Laboratories, Molecular Genetics and Genomics, ARUP Laboratories
Classification: Pathogenic for Polycystic kidney disease, adult type. Last evaluated: 2018-11-23. Review status: criteria provided, single submitter. Criteria: ARUP Molecular Germline Variant Investigation Process. Collection method: clinical testing. Allele origin: germline.
Comment: The PKD1 c.5921delT; p.Leu1974fs variant, to our knowledge, is not reported in the medical literature or gene specific databases. This variant is also absent from general population databases (1000 Genomes Project, Exome Variant Server, and Genome Aggregation Database), indicating it is not a common polymorphism. This variant causes a frameshift by deleting a single nucleotide, so it is predicted to result in a truncated protein or mRNA subject to nonsense-mediated decay. Based on available information, the p.Leu1974fs variant is considered to be pathogenic.

NM_001009944.3(PKD1):c.5921del (p.Leu1974fs)

Gene: PKD1 (polycystin 1, transient receptor potential channel interacting; minus strand). Cytogenetic location: 16p13.3.
Variant type: Deletion.
Coding change: c.5921del on transcript NM_001009944.3 (MANE Select); coding-DNA position 5921, one base deleted (T; older notation c.5921delT).
Protein change: p.Leu1974fs; shifts the reading frame from leucine 1974.
Molecular consequence: frameshift variant.
Genome position (GRCh38, 1-based): chr16:2,109,246, A deleted on the plus strand (T on the coding strand, the reverse complement: PKD1 is on the minus strand). VCF-style (leftmost placement, unchanged base first): chr16-2109245-CA-C. GRCh37 (hg19) VCF-style: chr16-2159246-CA-C.
Other names: c.5921del, p.Leu1974fs (NM_000296.4); short protein forms L1974fs.
Identifiers: ClinVar variation 811212 (VCV000811212.8), dbSNP rs1596553527, ClinGen allele CA915949013.